The following is an entry in ClinVar:

ClinVar aggregate classification (germline): Pathogenic (1 of 4 stars; one submission).

Allele frequency attached by ClinVar (database versions not stated): gnomAD exomes 0.00001.
gnomAD v4.1: 11 of 1,614,248 alleles (0.00068%); highest among the groups gnomAD compares: South Asian, 0.0011%; no homozygotes.

Submission:

Labcorp Genetics (formerly Invitae), Labcorp
Classification: Pathogenic. Last evaluated: 2023-12-12. Review status: criteria provided, single submitter. Criteria: Invitae Variant Classification Sherloc (09022015). Collection method: clinical testing. Allele origin: germline.
Comment: This sequence change creates a premature translational stop signal (p.Gln878*) in the BMP1 gene. It is expected to result in an absent or disrupted protein product. Loss-of-function variants in BMP1 are known to be pathogenic (PMID: 25656619, 27576954, 28257626). This variant is not present in population databases (gnomAD no frequency). This variant has not been reported in the literature in individuals affected with BMP1-related conditions. Algorithms developed to predict the effect of sequence changes on RNA splicing suggest that this variant may create or strengthen a splice site. For these reasons, this variant has been classified as Pathogenic.

Literature cited by the submitters: PubMed 25656619; PubMed 27576954; PubMed 28257626.

NM_006129.5(BMP1):c.2632C>T (p.Gln878Ter)

Gene: BMP1 (bone morphogenetic protein 1; plus strand). Cytogenetic location: 8p21.3.
Variant type: single nucleotide variant.
Coding change: c.2632C>T on transcript NM_006129.5 (MANE Select); coding-DNA position 2632, C replaced by T.
Protein change: p.Gln878Ter; replaces glutamine 878 with a stop codon.
Molecular consequence: nonsense. On other transcripts: non-coding transcript variant (1).
Genome position (GRCh38, 1-based): chr8:22,209,501, C>T. VCF-style: chr8-22209501-C-T. GRCh37 (hg19) VCF-style: chr8-22067014-C-T.
Other names: short protein forms Q878*.
Identifiers: ClinVar variation 2789346 (VCV002789346.3), dbSNP rs2539036825, ClinGen allele CA370511223.
Genomic context (GRCh38, chr8:22,209,501, plus strand): 5'-ACAGAGTGCGGGGGCCAGGTACGGGCAGACGTGAAGACCAAGGACCTTTACTCCCACGCC[C>T]AGTTTGGCGACAACAACTACCCTGGGGGTGTGGACTGTGAGTGGGTCATTGTGGCCGAGG-3'